The following is an entry in ClinVar:

NM_005883.3(APC2):c.4660G>A (p.Ala1554Thr)

Gene: APC2 (APC regulator of Wnt signaling pathway 2; plus strand). Cytogenetic location: 19p13.3.
Variant type: single nucleotide variant.
Coding change: c.4660G>A on transcript NM_005883.3 (MANE Select); coding-DNA position 4660, G replaced by A.
Protein change: p.Ala1554Thr; replaces alanine 1554 with threonine.
Molecular consequence: missense variant.
Genome position (GRCh38, 1-based): chr19:1,467,961, G>A. VCF-style: chr19-1467961-G-A. GRCh37 (hg19) VCF-style: chr19-1467960-G-A.
Other names: c.4660G>A (NM_005883.2); c.4657G>A, p.Ala1553Thr (NM_001351273.1); short protein forms A1554T, A1553T.
Identifiers: ClinVar variation 2181015 (VCV002181015.9), dbSNP rs765175644, ClinGen allele CA9045887.

ClinVar aggregate classification (germline): Uncertain significance. Review status: criteria provided, multiple submitters, no conflicts (2 of 4 stars). 4 submissions from 4 submitters: Uncertain significance (4). Last evaluated 2025-12-10.

Conditions:
APC2-related disorder. Also called: APC2-Related Disorders; APC2-related condition.
Inborn genetic diseases. Identifiers: MedGen C0950123, MeSH D030342.

Allele frequency attached by ClinVar (database versions not stated): ExAC 0.00008; gnomAD 0.00012.
gnomAD v4.1: 158 of 1,580,880 alleles (0.01%); highest among the groups gnomAD compares: Non-Finnish European, 0.01%; no homozygotes.

Submissions (4):

Labcorp Genetics (formerly Invitae), Labcorp
Classification: Uncertain significance. Last evaluated: 2025-12-10. Review status: criteria provided, single submitter. Criteria: Invitae Variant Classification Sherloc (09022015). Collection method: clinical testing. Allele origin: germline.
Comment: This sequence change replaces alanine, which is neutral and non-polar, with threonine, which is neutral and polar, at codon 1554 of the APC2 protein (p.Ala1554Thr). This variant is present in population databases (rs765175644, gnomAD 0.09%). This variant has not been reported in the literature in individuals affected with APC2-related conditions. ClinVar contains an entry for this variant (Variation ID: 2181015). Invitae Evidence Modeling of protein sequence and biophysical properties (such as structural, functional, and spatial information, amino acid conservation, physicochemical variation, residue mobility, and thermodynamic stability) indicates that this missense variant is not expected to disrupt APC2 protein function with a negative predictive value of 80%. In summary, the available evidence is currently insufficient to determine the role of this variant in disease. Therefore, it has been classified as a Variant of Uncertain Significance.

Ambry Genetics
Classification: Uncertain significance for Inborn genetic diseases. Last evaluated: 2025-08-13. Review status: criteria provided, single submitter. Criteria: Ambry Variant Classification Scheme 2023. Collection method: clinical testing. Allele origin: germline.

PreventionGenetics, part of Exact Sciences
Classification: Uncertain significance for APC2-related condition. Last evaluated: 2025-05-05. Review status: criteria provided, single submitter. Criteria: ACMG Guidelines, 2015. Collection method: clinical testing. Allele origin: germline.
Comment: The APC2 c.4660G>A variant is predicted to result in the amino acid substitution p.Ala1554Thr. To our knowledge, this variant has not been reported in the literature. This variant is reported in 0.092% of alleles in individuals of European (Finnish) descent in gnomAD. Although we suspect that this variant may be benign, at this time, the clinical significance of this variant is uncertain due to the absence of conclusive functional and genetic evidence.

GeneDx
Classification: Uncertain significance. Last evaluated: 2024-03-11. Review status: criteria provided, single submitter. Criteria: GeneDx Variant Classification Process June 2021. Collection method: clinical testing. Allele origin: germline. Affected: yes.
Comment: In silico analysis supports that this missense variant does not alter protein structure/function; Has not been previously published as pathogenic or benign to our knowledge